The following is an entry in ClinVar:

NM_006946.4(SPTBN2):c.7068C>T (p.Pro2356=)

Gene: SPTBN2 (spectrin beta, non-erythrocytic 2; minus strand). Cytogenetic location: 11q13.2.
Variant type: single nucleotide variant.
Coding change: c.7068C>T on transcript NM_006946.4 (MANE Select); coding-DNA position 7068, C replaced by T.
Protein change: p.Pro2356=; no amino-acid change (proline 2356 retained).
Molecular consequence: synonymous variant.
Genome position (GRCh38, 1-based): chr11:66,685,976, G>A on the plus strand (C>T on the coding strand, the complement: SPTBN2 is on the minus strand). VCF-style: chr11-66685976-G-A. GRCh37 (hg19) VCF-style: chr11-66453447-G-A.
Other names: c.7089C>T, p.Pro2363= (NM_001411025.1).
Identifiers: ClinVar variation 2965499 (VCV002965499.11), dbSNP rs754605882, ClinGen allele CA6127646.

ClinVar aggregate classification (germline): Likely benign. Review status: criteria provided, multiple submitters, no conflicts (2 of 4 stars). 2 submissions from 2 submitters: Likely benign (2). Last evaluated 2025-06-01.

Allele frequency attached by ClinVar (database versions not stated): TOPMed below 0.00001; ExAC 0.00001; gnomAD 0.00001; gnomAD exomes 0.00001.

Submissions (2):

CeGaT Center for Human Genetics Tuebingen
Classification: Likely benign. Last evaluated: 2025-06-01. Review status: criteria provided, single submitter. Criteria: CeGaT Center For Human Genetics Tuebingen Variant Classification Criteria Version 2. Collection method: clinical testing. Allele origin: germline. Affected: yes. Observed: 1 variant allele.
Comment: SPTBN2: BP4, BP7

Labcorp Genetics (formerly Invitae), Labcorp
Classification: Likely benign. Last evaluated: 2023-08-30. Review status: criteria provided, single submitter. Criteria: Invitae Variant Classification Sherloc (09022015). Collection method: clinical testing. Allele origin: germline.